The following is an entry in ClinVar:

ClinVar aggregate classification (germline): Uncertain significance (1 of 4 stars; one submission).

Conditions:
Inborn genetic diseases. Identifiers: MedGen C0950123, MeSH D030342.

Submission:

Ambry Genetics
Classification: Uncertain significance for Inborn genetic diseases. Last evaluated: 2026-05-01. Review status: criteria provided, single submitter. Criteria: Ambry Variant Classification Scheme 2023. Collection method: clinical testing. Allele origin: germline.
Comment: The p.Y551F variant (also known as c.1652A>T), located in coding exon 11 of the ERCC6L2 gene, results from an A to T substitution at nucleotide position 1652. The tyrosine at codon 551 is replaced by phenylalanine, an amino acid with highly similar properties. This amino acid position is conserved. In addition, this alteration is predicted to be tolerated by in silico analysis. Based on the available evidence, the clinical significance of this variant remains unclear.

NM_020207.7(ERCC6L2):c.1652A>T (p.Tyr551Phe)

Gene: ERCC6L2 (ERCC excision repair 6 like 2; plus strand). Cytogenetic location: 9q22.32.
Variant type: single nucleotide variant.
Coding change: c.1652A>T on transcript NM_020207.7 (MANE Select); coding-DNA position 1652, A replaced by T.
Protein change: p.Tyr551Phe; replaces tyrosine 551 with phenylalanine.
Molecular consequence: missense variant. On other transcripts: non-coding transcript variant (1).
Genome position (GRCh38, 1-based): chr9:95,928,765, A>T. VCF-style: chr9-95928765-A-T. GRCh37 (hg19) VCF-style: chr9-98691047-A-T.
Other names: c.1652A>T, p.Tyr551Phe (NM_001010895.4, NM_001375291.1, NM_001375292.1 and 2 more transcripts); short protein forms Y551F.
Identifiers: ClinVar variation 4870601 (VCV004870601.1).
Genomic context (GRCh38, chr9:95,928,765, plus strand): 5'-TACCTCTCGTCTAGTTGCTTGACGTGCTACAGCAGTACTGTATGGCGTCTGGGCTTGATT[A>T]CCGACGACTTGATGGAAGTACAAAATCAGAGGAAAGACTCAAGATTGTAAAAGAGTTCAA-3'
Protein context (NP_064592.3, residues 541-561): QQYCMASGLD[Tyr551Phe]RRLDGSTKSE